The following is an entry in ClinVar:

ClinVar aggregate classification (germline): Uncertain significance (1 of 4 stars; one submission).

Conditions:
Cardiomyopathy (CMYO). Also called: Cardiomyopathies. Identifiers: Orphanet 167848, MedGen C0878544, MONDO:0004994, HP:0001638. Inheritance: Various modes of inheritance.

Submission:

Color Diagnostics, LLC DBA Color Health
Classification: Uncertain significance for Cardiomyopathy. Last evaluated: 2023-12-04. Review status: criteria provided, single submitter. Criteria: ACMG Guidelines, 2015. Collection method: clinical testing. Allele origin: germline.
Comment: Variant of Uncertain Significance due to insufficient evidence: This missense variant is located in the C-terminal plakin repeat domain C of the DSP protein. Computational prediction tools and conservation analyses are inconclusive regarding the impact of this variant on the protein function. Computational splicing tools suggest that this variant may not impact RNA splicing. To our knowledge, functional assays have not been performed for this variant nor has this variant been reported in individuals affected with cardiovascular disorders in the literature. This variant is rare in the general population and has been identified in 0/277264 chromosomes by the Genome Aggregation Database (gnomAD). Available evidence is insufficient to determine the pathogenicity of this variant conclusively.

NM_004415.4(DSP):c.8156C>A (p.Pro2719Gln)

Gene: DSP (desmoplakin; plus strand). Cytogenetic location: 6p24.3.
Variant type: single nucleotide variant.
Coding change: c.8156C>A on transcript NM_004415.4 (MANE Select); coding-DNA position 8156, C replaced by A.
Protein change: p.Pro2719Gln; replaces proline 2719 with glutamine.
Molecular consequence: missense variant.
Genome position (GRCh38, 1-based): chr6:7,585,418, C>A. VCF-style: chr6-7585418-C-A. GRCh37 (hg19) VCF-style: chr6-7585651-C-A.
Other names: c.6359C>A, p.Pro2120Gln (NM_001008844.3); c.6827C>A, p.Pro2276Gln (NM_001319034.2); short protein forms P2276Q, P2120Q, P2719Q.
Identifiers: ClinVar variation 918363 (VCV000918363.5), dbSNP rs1759622362, ClinGen allele CA362694562.
Genomic context (GRCh38, chr6:7,585,418, plus strand): 5'-AGGGTGTGAAGGGAAAGAAGAAGATGTCAGCAGCAGAGGCAGTGAAAGAAAAATGGCTCC[C>A]GTATGAGGCTGGCCAGCGCTTCCTGGAGTTCCAGTACCTCACGGGAGGTCTTGTTGACCC-3'
Protein context (NP_004406.2, residues 2709-2729): AAEAVKEKWL[Pro2719Gln]YEAGQRFLEF